The following is an entry in ClinVar:

ClinVar aggregate classification (germline): Pathogenic/Likely pathogenic. Review status: criteria provided, multiple submitters, no conflicts (2 of 4 stars). 2 submissions from 2 submitters: Pathogenic (1); Likely pathogenic (1). Last evaluated 2024-04-24.

Conditions:
Neurofibromatosis, type 1 (NF1). Also called: Neurofibromatosis, type I; NEUROFIBROMATOSIS, TYPE I, SOMATIC; Peripheral type neurofibromatosis; VON RECKLINGHAUSEN DISEASE. Identifiers: Orphanet 636, MedGen C0027831, MONDO:0018975, OMIM 162200. Disease mechanism: loss of function.

Submissions (2):

Labcorp Genetics (formerly Invitae), Labcorp
Classification: Pathogenic for Neurofibromatosis, type 1. Last evaluated: 2024-04-24. Review status: criteria provided, single submitter. Criteria: Invitae Variant Classification Sherloc (09022015). Collection method: clinical testing. Allele origin: germline.
Comment: This sequence change replaces cysteine, which is neutral and slightly polar, with arginine, which is basic and polar, at codon 379 of the NF1 protein (p.Cys379Arg). This variant is not present in population databases (gnomAD no frequency). This missense change has been observed in individual(s) with clinical features of neurofibromatosis, type 1 (PMID: 31573083; Invitae). ClinVar contains an entry for this variant (Variation ID: 404470). Advanced modeling of protein sequence and biophysical properties (such as structural, functional, and spatial information, amino acid conservation, physicochemical variation, residue mobility, and thermodynamic stability) performed at Invitae indicates that this missense variant is expected to disrupt NF1 protein function with a positive predictive value of 95%. For these reasons, this variant has been classified as Pathogenic.

GeneDx
Classification: Likely pathogenic. Last evaluated: 2023-06-29. Review status: criteria provided, single submitter. Criteria: GeneDx Variant Classification Process June 2021. Collection method: clinical testing. Allele origin: germline. Affected: yes.
Comment: Published functional studies demonstrate a damaging effect: impaired ability to inhibit GTP-Ras activity and reduced NF1 expression (Long et al., 2022); In silico analysis supports that this missense variant has a deleterious effect on protein structure/function; Not observed at significant frequency in large population cohorts (gnomAD); This variant is associated with the following publications: (PMID: 31573083, 34694046)

Literature cited by the submitters: PubMed 31573083 (cited by Labcorp Genetics (formerly Invitae), Labcorp).

NM_001042492.3(NF1):c.1135T>C (p.Cys379Arg)

Gene: NF1 (neurofibromin 1; plus strand). Cytogenetic location: 17q11.2.
Variant type: single nucleotide variant.
Coding change: c.1135T>C on transcript NM_001042492.3 (MANE Select); coding-DNA position 1135, T replaced by C.
Protein change: p.Cys379Arg; replaces cysteine 379 with arginine.
Molecular consequence: missense variant.
Genome position (GRCh38, 1-based): chr17:31,201,109, T>C. VCF-style: chr17-31201109-T-C. GRCh37 (hg19) VCF-style: chr17-29528127-T-C.
Other names: c.1135T>C, p.Cys379Arg (NM_000267.4, NM_001128147.3); short protein forms C379R.
Identifiers: ClinVar variation 404470 (VCV000404470.9), dbSNP rs1060500281, ClinGen allele CA16615433.